The following is an entry in ClinVar:

NM_183235.3(RAB27A):c.240-47_240delinsTATTTCATACGAAATTTATA

Gene: RAB27A (RAB27A, member RAS oncogene family; minus strand). Cytogenetic location: 15q21.3.
Variant type: Indel.
Coding change: c.240-47_240delinsTATTTCATACGAAATTTATA on transcript NM_183235.3 (MANE Select); 47 bases into the intron before coding-DNA position 240 through coding-DNA position 240, the reference bases replaced by TATTTCATACGAAATTTATA.
Molecular consequence: splice acceptor variant.
Genome position (GRCh38, 1-based): chr15:55,228,712-55,228,759, 48 bases replaced. GRCh37 (hg19): chr15:55,520,910-55,520,957.
Other names: c.240-47_240delinsTATTTCATACGAAATTTATA (NM_001438970.1, NM_001438977.1, NM_001438975.1 and 11 more transcripts).
Identifiers: ClinVar variation 3347079 (VCV003347079.4).

ClinVar aggregate classification (germline): Likely pathogenic. Review status: criteria provided, multiple submitters, no conflicts (2 of 4 stars). 3 submissions from 3 submitters: Likely pathogenic (2). 1 of the submissions does not count toward it. Last evaluated 2025-10-19.

Conditions:
Griscelli syndrome type 2 (GS2). Also called: GRISCELLI SYNDROME WITH HEMOPHAGOCYTIC SYNDROME; PAID SYNDROME; PARTIAL ALBINISM AND IMMUNODEFICIENCY SYNDROME. Identifiers: Orphanet 381, Orphanet 79477, MedGen C1868679, MONDO:0011872, OMIM 607624.
RAB27A-related disorder. Also called: RAB27A-related condition.

Submissions (3):

Labcorp Genetics (formerly Invitae), Labcorp
Classification: Likely pathogenic for Griscelli syndrome type 2. Last evaluated: 2025-10-19. Review status: criteria provided, single submitter. Criteria: Invitae Variant Classification Sherloc (09022015). Collection method: clinical testing. Allele origin: germline.
Comment: This variant results in the deletion of part of exon 4 (c.240-47_240delins20) of the RAB27A gene. It is expected to disrupt RNA splicing. Variants that disrupt the donor or acceptor splice site typically lead to a loss of protein function (PMID: 16199547), and loss-of-function variants in RAB27A are known to be pathogenic (PMID: 10835631, 23160464). This variant is not present in population databases (gnomAD no frequency). This variant has not been reported in the literature in individuals affected with RAB27A-related conditions. In summary, the currently available evidence indicates that the variant is pathogenic, but additional data are needed to prove that conclusively. Therefore, this variant has been classified as Likely Pathogenic.

Blueprint Genetics
Classification: Likely pathogenic for RAB27A-related disorders. Last evaluated: 2023-06-06. Review status: criteria provided, single submitter. Criteria: ACMG Guidelines, 2015. Collection method: clinical testing. Allele origin: germline. Affected: yes. Observed: 1 variant allele.

PreventionGenetics, part of Exact Sciences
Classification: Likely pathogenic for RAB27A-related condition. Last evaluated: 2024-05-31. Review status: no assertion criteria provided. Collection method: clinical testing. Allele origin: germline. Not counted in ClinVar's aggregate classification.
Comment: The RAB27A c.240-47_240delinsTATTTCATACGAAATTTATA variant is predicted to result in an in-frame deletion and insertion. Based on available splicing prediction programs, this variant is predicted to disrupt the AG splice acceptor site and interfere with normal splicing (Alamut Visual Plus v1.6.1). To our knowledge, this variant has not been reported in the literature or in a large population database, indicating this variant is rare. Variants that disrupt the consensus splice acceptor site in RAB27A are expected to be pathogenic. Of note, one variant affecting this splice site has been reported in an individual with Griscelli syndrome (c.240-2A>C, Meeths et al. 2010. PubMed ID: 19953648). The c.240-47_240delins variant is interpreted as likely pathogenic.

Literature cited by the submitters: PubMed 16199547 (cited by Labcorp Genetics (formerly Invitae), Labcorp); PubMed 10835631 (cited by Labcorp Genetics (formerly Invitae), Labcorp); PubMed 23160464 (cited by Labcorp Genetics (formerly Invitae), Labcorp).